The following is an entry in ClinVar:

ClinVar aggregate classification (germline): Uncertain significance (1 of 4 stars; one submission).

Submission:

Labcorp Genetics (formerly Invitae), Labcorp
Classification: Uncertain significance. Last evaluated: 2022-06-09. Review status: criteria provided, single submitter. Criteria: Invitae Variant Classification Sherloc (09022015). Collection method: clinical testing. Allele origin: germline.
Comment: In summary, the available evidence is currently insufficient to determine the role of this variant in disease. Therefore, it has been classified as a Variant of Uncertain Significance. Algorithms developed to predict the effect of missense changes on protein structure and function output the following: SIFT: "Tolerated"; PolyPhen-2: "Benign"; Align-GVGD: "Class C0". The proline amino acid residue is found in multiple mammalian species, which suggests that this missense change does not adversely affect protein function. This variant has not been reported in the literature in individuals affected with PTPN23-related conditions. This variant is not present in population databases (gnomAD no frequency). This sequence change replaces threonine, which is neutral and polar, with proline, which is neutral and non-polar, at codon 1057 of the PTPN23 protein (p.Thr1057Pro).

NM_015466.4(PTPN23):c.3169A>C (p.Thr1057Pro)

Gene: PTPN23 (protein tyrosine phosphatase non-receptor type 23; plus strand). Cytogenetic location: 3p21.31.
Variant type: single nucleotide variant.
Coding change: c.3169A>C on transcript NM_015466.4 (MANE Select); coding-DNA position 3169, A replaced by C.
Protein change: p.Thr1057Pro; replaces threonine 1057 with proline.
Molecular consequence: missense variant.
Genome position (GRCh38, 1-based): chr3:47,410,967, A>C. VCF-style: chr3-47410967-A-C. GRCh37 (hg19) VCF-style: chr3-47452457-A-C.
Other names: c.2791A>C, p.Thr931Pro (NM_001304482.2); short protein forms T931P, T1057P.
Identifiers: ClinVar variation 2003759 (VCV002003759.4), dbSNP rs1705269697, ClinGen allele CA352561275.